The following is an entry in ClinVar:

ClinVar aggregate classification (germline): Conflicting classifications of pathogenicity. Review status: criteria provided, conflicting classifications (1 of 4 stars). 2 submissions from 2 submitters: Uncertain significance (1); Benign (1). Last evaluated 2023-07-01.

Conditions:
Giant axonal neuropathy 1 (GAN1). Also called: GIANT AXONAL NEUROPATHY 1, AUTOSOMAL RECESSIVE; GAN-Related Neurodegeneration. Identifiers: Orphanet 643, MedGen C1850386, MONDO:0009749, OMIM 256850.

Allele frequency attached by ClinVar (database versions not stated): 1000 Genomes Project 0.00200; 1000 Genomes Project 30x 0.00219; gnomAD exomes 0.00474; TOPMed 0.00568; gnomAD 0.00845.
gnomAD v4.1: 978 of 152,714 alleles (0.64%); highest among the groups gnomAD compares: Non-Finnish European, 1.1%; 6 homozygotes.

Submissions (2):

CeGaT Center for Human Genetics Tuebingen
Classification: Benign. Last evaluated: 2023-07-01. Review status: criteria provided, single submitter. Criteria: CeGaT Center For Human Genetics Tuebingen Variant Classification Criteria Version 2. Collection method: clinical testing. Allele origin: germline. Affected: yes. Observed: 4 variant alleles.
Comment: GAN: BS1, BS2

Illumina Laboratory Services, Illumina
Classification: Uncertain significance for Giant axonal neuropathy 1. Last evaluated: 2018-01-13. Review status: criteria provided, single submitter. Criteria: ICSL Variant Classification Criteria 13 December 2019. Collection method: clinical testing. Allele origin: germline.

NM_022041.4(GAN):c.*1268C>T

Gene: GAN (gigaxonin; plus strand). Cytogenetic location: 16q23.2.
Variant type: single nucleotide variant.
Coding change: c.*1268C>T on transcript NM_022041.4 (MANE Select); 1268 bases downstream of the stop codon, C replaced by T.
Molecular consequence: 3 prime UTR variant.
Genome position (GRCh38, 1-based): chr16:81,378,864, C>T. VCF-style: chr16-81378864-C-T. GRCh37 (hg19) VCF-style: chr16-81412469-C-T.
Other names: c.*1268C>T (NM_001377486.1).
Identifiers: ClinVar variation 320688 (VCV000320688.34), dbSNP rs182391687, ClinGen allele CA10638444.
Genomic context (GRCh38, chr16:81,378,864, plus strand): 5'-ATCTCTCATTCTCACCTCAACCCACTTTACCCCACTTCTCATTGGGGGAAAAATGTCTTT[C>T]GTTCGTGGAACGTATCTTGTAAGATATTTTGTTTTCCACTTGAATTACACCACCCTAGTG-3'